The following is an entry in ClinVar:

NM_000059.4(BRCA2):c.6416A>C (p.Glu2139Ala)

Gene: BRCA2 (BRCA2 DNA repair associated; plus strand). Cytogenetic location: 13q13.1.
Variant type: single nucleotide variant.
Coding change: c.6416A>C on transcript NM_000059.4 (MANE Select); coding-DNA position 6416, A replaced by C.
Protein change: p.Glu2139Ala; replaces glutamic acid 2139 with alanine.
Molecular consequence: missense variant.
Genome position (GRCh38, 1-based): chr13:32,340,771, A>C. VCF-style: chr13-32340771-A-C. GRCh37 (hg19) VCF-style: chr13-32914908-A-C.
Other names: short protein forms E2139A.
Identifiers: ClinVar variation 928503 (VCV000928503.3), dbSNP rs751071709, ClinGen allele CA387789268.

ClinVar aggregate classification (germline): Conflicting classifications of pathogenicity. Review status: criteria provided, conflicting classifications (1 of 4 stars). 2 submissions from 2 submitters: Uncertain significance (1); Likely benign (1). Last evaluated 2023-03-23.

Conditions:
Hereditary cancer-predisposing syndrome. Also called: Neoplastic Syndromes, Hereditary; Hereditary Cancer Syndrome; Tumor predisposition; Hereditary neoplastic syndrome. Identifiers: Orphanet 140162, MedGen C0027672, MeSH D009386, MONDO:0015356.

Submissions (2):

University of Washington Department of Laboratory Medicine, University of Washington
Classification: Likely benign for Hereditary cancer-predisposing syndrome. Last evaluated: 2023-03-23. Review status: criteria provided, single submitter. Criteria: Dines et al. (Genet Med. 2020). Collection method: curation. Allele origin: germline.
Comment: Missense variant in a coldspot region where missense variants are very unlikely to be pathogenic (PMID:31911673).

BRCA2 exon 11 coldspot. Reclassification based on statistical prior probability.

Women's Health and Genetics/Laboratory Corporation of America, LabCorp
Classification: Uncertain significance. Last evaluated: 2019-05-23. Review status: criteria provided, single submitter. Criteria: LabCorp Variant Classification Summary - May 2015. Collection method: clinical testing. Allele origin: germline.
Comment: Variant summary: BRCA2 c.6416A>C (p.Glu2139Ala) results in a non-conservative amino acid change in the encoded protein sequence. Three of five in-silico tools predict a benign effect of the variant on protein function. The variant was absent in 232562 control chromosomes. The available data on variant occurrences in the general population are insufficient to allow any conclusion about variant significance. To our knowledge, no occurrence of c.6416A>C in individuals affected with Hereditary Breast and Ovarian Cancer and no experimental evidence demonstrating its impact on protein function have been reported. No clinical diagnostic laboratories have submitted clinical-significance assessments for this variant to ClinVar after 2014. Based on the evidence outlined above, the variant was classified as uncertain significance.